The following is an entry in ClinVar:

NM_053025.4(MYLK):c.4130C>T (p.Thr1377Met)

Gene: MYLK (myosin light chain kinase; minus strand). Cytogenetic location: 3q21.1.
Variant type: single nucleotide variant.
Coding change: c.4130C>T on transcript NM_053025.4 (MANE Select); coding-DNA position 4130, C replaced by T.
Protein change: p.Thr1377Met; replaces threonine 1377 with methionine.
Molecular consequence: missense variant.
Genome position (GRCh38, 1-based): chr3:123,657,284, G>A on the plus strand (C>T on the coding strand, the complement: MYLK is on the minus strand). VCF-style: chr3-123657284-G-A. GRCh37 (hg19) VCF-style: chr3-123376131-G-A.
Other names: c.3602C>T, p.Thr1201Met (NM_001321309.2); c.3923C>T, p.Thr1308Met (NM_053026.4, NM_053028.4); c.4130C>T, p.Thr1377Met (NM_053027.4); short protein forms T1308M, T1377M, T1201M.
Identifiers: ClinVar variation 487468 (VCV000487468.7), dbSNP rs750002545, ClinGen allele CA070976.

ClinVar aggregate classification (germline): Uncertain significance. Review status: criteria provided, multiple submitters, no conflicts (2 of 4 stars). 4 submissions from 3 submitters: Uncertain significance (4). Last evaluated 2022-03-16.

Conditions:
Aortic aneurysm, familial thoracic 7 (AAT7). Also called: AORTIC DISSECTION, FAMILIAL, WITH OR WITHOUT AORTIC ANEURYSM. Identifiers: MedGen C3151077, MONDO:0013418, OMIM 613780.
Megacystis-microcolon-intestinal hypoperistalsis syndrome 1. Identifiers: MedGen C5542316, MONDO:0100354, OMIM 249210.
Familial thoracic aortic aneurysm and aortic dissection (TAAD). Also called: Thoracic aortic aneurysms and dissections. Identifiers: Orphanet 91387, MedGen C4707243, MONDO:0019625.

Allele frequency attached by ClinVar (database versions not stated): TOPMed below 0.00001; ExAC 0.00001; gnomAD 0.00001; gnomAD exomes 0.00001.
gnomAD v4.1: 10 of 1,614,008 alleles (0.00062%); highest among the groups gnomAD compares: Admixed American, 0.0033%; no homozygotes.

Submissions (4):

Ambry Genetics
Classification: Uncertain significance for Familial thoracic aortic aneurysm and aortic dissection. Last evaluated: 2022-03-16. Review status: criteria provided, single submitter. Criteria: Ambry Variant Classification Scheme 2023. Collection method: clinical testing. Allele origin: germline.
Comment: The p.T1377M variant (also known as c.4130C>T), located in coding exon 21 of the MYLK gene, results from a C to T substitution at nucleotide position 4130. The threonine at codon 1377 is replaced by methionine, an amino acid with similar properties. This amino acid position is poorly conserved in available vertebrate species. In addition, this alteration is predicted to be tolerated by in silico analysis. Since supporting evidence is limited at this time, the clinical significance of this alteration remains unclear.

GeneDx
Classification: Uncertain significance. Last evaluated: 2019-05-06. Review status: criteria provided, single submitter. Criteria: GeneDx Variant Classification Process June 2021. Collection method: clinical testing. Allele origin: germline. Affected: yes.
Comment: Has not been previously published as pathogenic or benign to our knowledge; Reported in ClinVar as a variant of uncertain significance but additional evidence is not available (ClinVar Variant ID# 487468; Landrum et al., 2016); Not observed at a significant frequency in large population cohorts (Lek et al., 2016); In silico analysis, which includes protein predictors and evolutionary conservation, supports that this variant does not alter protein structure/function

Center for Genomics, Ann and Robert H. Lurie Children's Hospital of Chicago
Classification: Uncertain significance for Aortic aneurysm, familial thoracic 7. Last evaluated: 2017-08-01. Review status: criteria provided, single submitter. Criteria: ACMG Guidelines, 2015. Collection method: clinical testing. Allele origin: germline.
Comment: MYLK NM_053026 exon23 p.Thr1308Met (c.3923C>T): This variant has not been reported in the literature but is present in 2/34220 Latino chromosomes in the Genome Aggregation Database. This variant methonine (Met) is present in >10 species including mammals, and is not well conserved among evolutionarily distant species; this suggests that this variant may not impact the protein. Additional computational prediction tools do not suggest an impact. In summary, data on this variant is insufficient for disease classification. Therefore, the clinical significance of this variant is uncertain.

Center for Genomics, Ann and Robert H. Lurie Children's Hospital of Chicago
Classification: Uncertain significance for Megacystis-microcolon-intestinal hypoperistalsis syndrome 1; Aortic aneurysm, familial thoracic 7. Review status: criteria provided, single submitter. Criteria: ACMG Guidelines, 2015. Collection method: clinical testing. Allele origin: germline.
Comment: the same text as in the submission from Center for Genomics, Ann and Robert H. Lurie Children's Hospital of Chicago above.